The following is an entry in ClinVar:

NM_007194.4(CHEK2):c.473_474delinsAAGTACTCT (p.Ala158fs)

Gene: CHEK2 (checkpoint kinase 2; minus strand). Cytogenetic location: 22q12.1.
Variant type: Indel.
Coding change: c.473_474delinsAAGTACTCT on transcript NM_007194.4 (MANE Select); coding-DNA positions 473 to 474, CA replaced by AAGTACTCT.
Protein change: p.Ala158fs; shifts the reading frame from alanine 158.
Molecular consequence: frameshift variant. On other transcripts: 5 prime UTR variant (2), intron variant (1).
Genome position (GRCh38, 1-based): chr22:28,725,095-28,725,096, TG replaced by AGAGTACTT on the plus strand (CA replaced by AAGTACTCT on the coding strand, the reverse complement: CHEK2 is on the minus strand). VCF-style: chr22-28725095-TG-AGAGTACTT. GRCh37 (hg19) VCF-style: chr22-29121083-TG-AGAGTACTT.
Other names: c.602_603delinsAAGTACTCT, p.Ala201fs (NM_001005735.3, NM_001438294.1); c.-305_-304delinsAAGTACTCT (NM_001257387.3); c.-191_-190delinsAAGTACTCT (NM_001437942.1); c.566_567delinsAAGTACTCT, p.Ala189fs (NM_001438293.1, NM_001438295.1); c.473_474delinsAAGTACTCT, p.Ala158fs (NM_145862.3); c.444+147_444+148delinsAAGTACTCT (NM_001349956.3); short protein forms A158fs, A201fs, A189fs.
Identifiers: ClinVar variation 2431332 (VCV002431332.1), dbSNP rs2518054173, ClinGen allele CA2580099463.

ClinVar aggregate classification (germline): Pathogenic (1 of 4 stars; one submission).

Conditions:
Familial cancer of breast. Also called: Hereditary breast cancer; BREAST CANCER, FAMILIAL; hereditary breast carcinoma. Identifiers: Orphanet 227535, MedGen C0346153, MONDO:0016419, OMIM 114480. Disease mechanism: loss of function.

Submission:

Myriad Genetics, Inc.
Classification: Pathogenic for Familial cancer of breast. Last evaluated: 2023-01-17. Review status: criteria provided, single submitter. Criteria: Myriad Autosomal Dominant, Autosomal Recessive and X-Linked Classification Criteria (2023). Collection method: clinical testing. Allele origin: unknown.
Comment: This variant is considered pathogenic. This variant creates a frameshift predicted to result in premature protein truncation.